The following is an entry in ClinVar:

NM_173630.4(RTTN):c.1305+6A>G

Gene: RTTN (rotatin; minus strand). Cytogenetic location: 18q22.2.
Variant type: single nucleotide variant.
Coding change: c.1305+6A>G on transcript NM_173630.4 (MANE Select); 6 bases into the intron after coding-DNA position 1305, A replaced by G.
Molecular consequence: intron variant.
Genome position (GRCh38, 1-based): chr18:70,188,102, T>C on the plus strand (A>G on the coding strand, the complement: RTTN is on the minus strand). VCF-style: chr18-70188102-T-C. GRCh37 (hg19) VCF-style: chr18-67855338-T-C.
Other names: c.-1249+6A>G (NM_001318520.2).
Identifiers: ClinVar variation 1981184 (VCV001981184.4), dbSNP rs781437195, ClinGen allele CA8996222.

ClinVar aggregate classification (germline): Uncertain significance (1 of 4 stars; one submission).

Allele frequency attached by ClinVar (database versions not stated): ExAC 0.00001; gnomAD exomes 0.00001.
gnomAD v4.1: 14 of 1,516,532 alleles (0.00092%); highest among the groups gnomAD compares: African/African-American, 0.0014%; no homozygotes.

Submission:

Labcorp Genetics (formerly Invitae), Labcorp
Classification: Uncertain significance. Last evaluated: 2022-05-21. Review status: criteria provided, single submitter. Criteria: Invitae Variant Classification Sherloc (09022015). Collection method: clinical testing. Allele origin: germline.
Comment: In summary, the available evidence is currently insufficient to determine the role of this variant in disease. Therefore, it has been classified as a Variant of Uncertain Significance. Variants that disrupt the consensus splice site are a relatively common cause of aberrant splicing (PMID: 17576681, 9536098). Algorithms developed to predict the effect of sequence changes on RNA splicing suggest that this variant is not likely to affect RNA splicing. This variant has not been reported in the literature in individuals affected with RTTN-related conditions. This variant is present in population databases (rs781437195, gnomAD 0.004%). This sequence change falls in intron 10 of the RTTN gene. It does not directly change the encoded amino acid sequence of the RTTN protein. It affects a nucleotide within the consensus splice site.

Literature cited by the submitters: PubMed 17576681; PubMed 9536098.